The following is an entry in ClinVar:

NM_012188.5(FOXI1):c.802C>T (p.Pro268Ser)

Gene: FOXI1 (forkhead box I1; plus strand). Cytogenetic location: 5q35.1.
Variant type: single nucleotide variant.
Coding change: c.802C>T on transcript NM_012188.5 (MANE Select); coding-DNA position 802, C replaced by T.
Protein change: p.Pro268Ser; replaces proline 268 with serine.
Molecular consequence: missense variant. On other transcripts: intron variant (1).
Genome position (GRCh38, 1-based): chr5:170,108,276, C>T. VCF-style: chr5-170108276-C-T. GRCh37 (hg19) VCF-style: chr5-169535280-C-T.
Other names: c.575-58C>T (NM_144769.4); short protein forms P268S.
Identifiers: ClinVar variation 2114561 (VCV002114561.4), dbSNP rs1258147517, ClinGen allele CA362127440.

ClinVar aggregate classification (germline): Uncertain significance (1 of 4 stars; one submission).

Allele frequency attached by ClinVar (database versions not stated): gnomAD exomes below 0.00001.

Submission:

Labcorp Genetics (formerly Invitae), Labcorp
Classification: Uncertain significance. Last evaluated: 2022-03-19. Review status: criteria provided, single submitter. Criteria: Invitae Variant Classification Sherloc (09022015). Collection method: clinical testing. Allele origin: germline.
Comment: In summary, the available evidence is currently insufficient to determine the role of this variant in disease. Therefore, it has been classified as a Variant of Uncertain Significance. Algorithms developed to predict the effect of missense changes on protein structure and function output the following: SIFT: "Tolerated"; PolyPhen-2: "Benign"; Align-GVGD: "Class C0". The serine amino acid residue is found in multiple mammalian species, which suggests that this missense change does not adversely affect protein function. This variant has not been reported in the literature in individuals affected with FOXI1-related conditions. This variant is present in population databases (no rsID available, gnomAD 0.006%). This sequence change replaces proline, which is neutral and non-polar, with serine, which is neutral and polar, at codon 268 of the FOXI1 protein (p.Pro268Ser).